The following is an entry in ClinVar:

ClinVar aggregate classification (germline): Uncertain significance (1 of 4 stars; one submission).

Conditions:
Cardioacrofacial dysplasia 2. Identifiers: MedGen C5436886, MONDO:0030877, OMIM 619143.

Submission:

University of Washington Department of Laboratory Medicine, University of Washington
Classification: Uncertain significance for Cardioacrofacial dysplasia 2. Last evaluated: 2021-05-25. Review status: criteria provided, single submitter. Criteria: ACMG Guidelines, 2015. Collection method: clinical testing. Allele origin: unknown. Affected: yes.
Comment: The p.Leu253Trp variant in the PRKACB gene has not been previously reported in association with disease and was absent from large population databases, including the Genome Aggregation Database. A majority of in silico tools predict that the PRKACB p.Leu253Trp variant is deleterious; however, these predictions have not been tested directly. Using ACMG guidelines, this variant was classified as a variant of uncertain significance (ACMG evidence codes used: PM2_supporting, PP3).

NM_182948.4(PRKACB):c.758T>G (p.Leu253Trp)

Gene: PRKACB (protein kinase cAMP-activated catalytic subunit beta; plus strand). Cytogenetic location: 1p31.1.
Variant type: single nucleotide variant.
Coding change: c.758T>G on transcript NM_182948.4 (MANE Select); coding-DNA position 758, T replaced by G.
Protein change: p.Leu253Trp; replaces leucine 253 with tryptophan.
Molecular consequence: missense variant.
Genome position (GRCh38, 1-based): chr1:84,197,799, T>G. VCF-style: chr1-84197799-T-G. GRCh37 (hg19) VCF-style: chr1-84663482-T-G.
Other names: c.638T>G, p.Leu213Trp (NM_001242857.3, NM_001375569.1, NM_001375581.1); c.581T>G, p.Leu194Trp (NM_001242858.3, NM_001300917.2, NM_001375578.1); c.629T>G, p.Leu210Trp (NM_001242859.3, NM_001375572.1); c.635T>G, p.Leu212Trp (NM_001242860.3, NM_001300915.2, NM_001375571.1); c.527T>G, p.Leu176Trp (NM_001242861.3); c.578T>G, p.Leu193Trp (NM_001242862.3, NM_001375565.1, NM_001375579.1 and 1 more transcripts); c.758T>G, p.Leu253Trp (NM_001300916.2); c.626T>G, p.Leu209Trp (NM_001375560.1, NM_001375573.1, NM_001375575.1); and 6 more; short protein forms L176W, L193W, L194W, L201W, L202W, L204W, L205W, L206W.
Identifiers: ClinVar variation 3777147 (VCV003777147.1).
Genomic context (GRCh38, chr1:84,197,799, plus strand): 5'-TTGGGTTTGCCAAAAGAGTTAAAGGCAGAACTTGGACATTATGTGGAACTCCAGAGTATT[T>G]GGCTCCAGAAATAATTCTCAGCAAGGTATATTCATAATATCAACACATAAGAAGTAGAAA-3'
Protein context (NP_891993.1, residues 243-263): TWTLCGTPEY[Leu253Trp]APEIILSKGY